The following is an entry in ClinVar:

NM_182641.4(BPTF):c.8185A>T (p.Ile2729Phe)

Gene: BPTF (bromodomain PHD finger transcription factor; plus strand). Cytogenetic location: 17q24.2.
Variant type: single nucleotide variant.
Coding change: c.8185A>T on transcript NM_182641.4 (MANE Select); coding-DNA position 8185, A replaced by T.
Protein change: p.Ile2729Phe; replaces isoleucine 2729 with phenylalanine.
Molecular consequence: missense variant.
Genome position (GRCh38, 1-based): chr17:67,959,799, A>T. VCF-style: chr17-67959799-A-T. GRCh37 (hg19) VCF-style: chr17-65955915-A-T.
Other names: c.8185A>T (NM_182641.3); c.8134A>T, p.Ile2712Phe (NM_004459.7); short protein forms I2712F, I2729F.
Identifiers: ClinVar variation 1971741 (VCV001971741.8), dbSNP rs782594901, ClinGen allele CA8726537.

ClinVar aggregate classification (germline): Uncertain significance. Review status: criteria provided, multiple submitters, no conflicts (2 of 4 stars). 3 submissions from 3 submitters: Uncertain significance (3). Last evaluated 2025-11-20.

Conditions:
Inborn genetic diseases. Identifiers: MedGen C0950123, MeSH D030342.

Allele frequency attached by ClinVar (database versions not stated): gnomAD exomes below 0.00001; ExAC 0.00001; gnomAD 0.00001; TOPMed 0.00001.
gnomAD v4.1: 5 of 1,614,018 alleles (0.00031%); highest among the groups gnomAD compares: African/African-American, 0.0013%; no homozygotes.

Submissions (3):

Dasa
Classification: Uncertain significance. Last evaluated: 2025-11-20. Review status: criteria provided, single submitter. Criteria: DASA Assertion Criteria. Collection method: clinical testing. Allele origin: germline.
Comment: NM_182641.4(BPTF):c.8185A>T (p.Ile2729Phe) is a missense variant that results in the substitution of isoleucine with phenylalanine. This variant is rare in population databases. The currently available literature and clinical evidence are not sufficient to establish a definitive association between this variant and the reported condition. Therefore, this variant is classified as a variant of uncertain significance.

Labcorp Genetics (formerly Invitae), Labcorp
Classification: Uncertain significance. Last evaluated: 2025-08-18. Review status: criteria provided, single submitter. Criteria: Invitae Variant Classification Sherloc (09022015). Collection method: clinical testing. Allele origin: germline.
Comment: This sequence change replaces isoleucine, which is neutral and non-polar, with phenylalanine, which is neutral and non-polar, at codon 2712 of the BPTF protein (p.Ile2712Phe). This variant is present in population databases (rs782594901, gnomAD 0.0009%). This variant has not been reported in the literature in individuals affected with BPTF-related conditions. ClinVar contains an entry for this variant (Variation ID: 1971741). An algorithm developed to predict the effect of missense changes on protein structure and function (PolyPhen-2) suggests that this variant is likely to be disruptive. In summary, the available evidence is currently insufficient to determine the role of this variant in disease. Therefore, it has been classified as a Variant of Uncertain Significance.

Ambry Genetics
Classification: Uncertain significance for Inborn genetic diseases. Last evaluated: 2022-11-18. Review status: criteria provided, single submitter. Criteria: Ambry Variant Classification Scheme 2023. Collection method: clinical testing. Allele origin: germline.